The following is an entry in ClinVar:

NM_176787.5(PIGN):c.371A>T (p.Asp124Val)

Gene: PIGN (phosphatidylinositol glycan anchor biosynthesis class N; minus strand). Cytogenetic location: 18q21.33.
Variant type: single nucleotide variant.
Coding change: c.371A>T on transcript NM_176787.5 (MANE Select); coding-DNA position 371, A replaced by T.
Protein change: p.Asp124Val; replaces aspartic acid 124 with valine.
Molecular consequence: missense variant.
Genome position (GRCh38, 1-based): chr18:62,157,200, T>A on the plus strand (A>T on the coding strand, the complement: PIGN is on the minus strand). VCF-style: chr18-62157200-T-A. GRCh37 (hg19) VCF-style: chr18-59824433-T-A.
Other names: c.371A>T, p.Asp124Val (NM_012327.6); short protein forms D124V.
Identifiers: ClinVar variation 539544 (VCV000539544.7), dbSNP rs1555696809, ClinGen allele CA402603348.

ClinVar aggregate classification (germline): Uncertain significance (1 of 4 stars; one submission).

Conditions:
Multiple congenital anomalies-hypotonia-seizures syndrome 1 (MCAHS1). Also called: PIGN-CDG; Congenital disorder of glycosylation due to PIGN deficiency; GLYCOSYLPHOSPHATIDYLINOSITOL BIOSYNTHESIS DEFECT 3. Identifiers: Orphanet 280633, MedGen C3279775, MONDO:0013563, OMIM 614080.

Submission:

Labcorp Genetics (formerly Invitae), Labcorp
Classification: Uncertain significance for Multiple congenital anomalies-hypotonia-seizures syndrome 1. Last evaluated: 2021-09-01. Review status: criteria provided, single submitter. Criteria: Invitae Variant Classification Sherloc (09022015). Collection method: clinical testing. Allele origin: germline.
Comment: This sequence change replaces aspartic acid with valine at codon 124 of the PIGN protein (p.Asp124Val). The aspartic acid residue is highly conserved and there is a large physicochemical difference between aspartic acid and valine. This variant is not present in population databases (ExAC no frequency). This variant has not been reported in the literature in individuals affected with PIGN-related conditions. Algorithms developed to predict the effect of missense changes on protein structure and function (SIFT, PolyPhen-2, Align-GVGD) all suggest that this variant is likely to be disruptive. In summary, the available evidence is currently insufficient to determine the role of this variant in disease. Therefore, it has been classified as a Variant of Uncertain Significance.